The following is an entry in ClinVar:

ClinVar aggregate classification (germline): Likely benign (1 of 4 stars; one submission).

Conditions:
Obesity due to SIM1 deficiency. Identifiers: Orphanet 369873, MedGen C5191050, MONDO:0018244.

Allele frequency attached by ClinVar (database versions not stated): 1000 Genomes Project 30x 0.00328; 1000 Genomes Project 0.00379; TOPMed 0.00382; gnomAD 0.00654 and 0.00670.
gnomAD v4.1: 2,707 of 392,600 alleles (0.69%); highest among the groups gnomAD compares: Non-Finnish European, 0.71%; 22 homozygotes.

Submission:

Illumina Laboratory Services, Illumina
Classification: Likely benign for Obesity due to SIM1 deficiency. Last evaluated: 2018-01-13. Review status: criteria provided, single submitter. Criteria: ICSL Variant Classification Criteria 13 December 2019. Collection method: clinical testing. Allele origin: germline.
Comment: This variant was observed in the ICSL laboratory as part of a predisposition screen in an ostensibly healthy population. It had not been previously curated by ICSL or reported in the Human Gene Mutation Database (HGMD: prior to June 1st, 2018), and was therefore a candidate for classification through an automated scoring system. Utilizing variant allele frequency, disease prevalence and penetrance estimates, and inheritance mode, an automated score was calculated to assess if this variant is too frequent to cause the disease. Based on the score and internal cut-off values, a variant classified as likely benign is not then subjected to further curation. The score for this variant resulted in a classification of likely benign for this disease.

NM_005068.3(SIM1):c.*937C>A

Gene: SIM1 (SIM bHLH transcription factor 1; minus strand). Cytogenetic location: 6q16.3.
Variant type: single nucleotide variant.
Coding change: c.*937C>A on transcript NM_005068.3 (MANE Select); 937 bases downstream of the stop codon, C replaced by A.
Molecular consequence: 3 prime UTR variant.
Genome position (GRCh38, 1-based): chr6:100,389,424, G>T on the plus strand (C>A on the coding strand, the complement: SIM1 is on the minus strand). VCF-style: chr6-100389424-G-T. GRCh37 (hg19) VCF-style: chr6-100837300-G-T.
Other names: c.*937C>A (NM_001374769.1).
Identifiers: ClinVar variation 905432 (VCV000905432.4), dbSNP rs41318037, ClinGen allele CA144530087.